The following is an entry in ClinVar:

NM_004380.3(CREBBP):c.5133G>A (p.Lys1711=)

Gene: CREBBP (CREB binding lysine acetyltransferase; minus strand). Cytogenetic location: 16p13.3.
Variant type: single nucleotide variant.
Coding change: c.5133G>A on transcript NM_004380.3 (MANE Select); coding-DNA position 5133, G replaced by A.
Protein change: p.Lys1711=; no amino-acid change (lysine 1711 retained).
Molecular consequence: synonymous variant.
Genome position (GRCh38, 1-based): chr16:3,731,231, C>T on the plus strand (G>A on the coding strand, the complement: CREBBP is on the minus strand). VCF-style: chr16-3731231-C-T. GRCh37 (hg19) VCF-style: chr16-3781232-C-T.
Other names: c.5019G>A, p.Lys1673= (NM_001079846.1).
Identifiers: ClinVar variation 2056249 (VCV002056249.5), dbSNP rs757320941, ClinGen allele CA276973171.
Genomic context (GRCh38, chr16:3,731,231, plus strand): 5'-GGGGGTGGGGGCAGGGCCTACCTCGCACACAGTGCAGTGCCAGCGCGTCTCCACGTGGTG[C>T]TTGCACTCGTTGCAGGTGTAGACAAAGCGGTCCTGGCCCTGGGTGTGCAGCTCCACCAGC-3'
Protein context (NP_004371.2, residues 1701-1721): DRFVYTCNEC[Lys1711=]HHVETRWHCT

ClinVar aggregate classification (germline): Likely benign. Review status: criteria provided, multiple submitters, no conflicts (2 of 4 stars). 2 submissions from 2 submitters: Likely benign (2). Last evaluated 2026-01-26.

Conditions:
Rubinstein-Taybi syndrome (RSTS). Identifiers: Orphanet 783, MedGen C0035934, MONDO:0019188.

Allele frequency attached by ClinVar (database versions not stated): TOPMed below 0.00001; gnomAD 0.00001; gnomAD exomes 0.00001.
gnomAD v4.1: 19 of 1,613,998 alleles (0.0012%); highest among the groups gnomAD compares: Non-Finnish European, 0.0015%; no homozygotes.

Submissions (2):

Labcorp Genetics (formerly Invitae), Labcorp
Classification: Likely benign for Rubinstein-Taybi syndrome. Last evaluated: 2026-01-26. Review status: criteria provided, single submitter. Criteria: Invitae Variant Classification Sherloc (09022015). Collection method: clinical testing. Allele origin: germline.

Women's Health and Genetics/Laboratory Corporation of America, LabCorp
Classification: Likely benign. Last evaluated: 2024-09-23. Review status: criteria provided, single submitter. Criteria: LabCorp Variant Classification Summary - May 2015. Collection method: clinical testing. Allele origin: germline.
Comment: Variant summary: CREBBP c.5133G>A alters a conserved nucleotide resulting in a synonymous change. Consensus agreement among computation tools predict no significant impact on normal splicing. However, these predictions have yet to be confirmed by functional studies. The variant allele was found at a frequency of 4e-06 in 250806 control chromosomes. The available data on variant occurrences in the general population are insufficient to allow any conclusion about variant significance. To our knowledge, no occurrence of c.5133G>A in individuals affected with Rubinstein-Taybi Syndrome and no experimental evidence demonstrating its impact on protein function have been reported. ClinVar contains an entry for this variant (Variation ID: 2056249). Based on the evidence outlined above, the variant was classified as likely benign.